The following is an entry in ClinVar:

ClinVar aggregate classification (germline): Conflicting classifications of pathogenicity. Review status: criteria provided, conflicting classifications (1 of 4 stars). 2 submissions from 2 submitters: Uncertain significance (1); Likely benign (1). Last evaluated 2025-12-05.

Conditions:
Inborn genetic diseases. Identifiers: MedGen C0950123, MeSH D030342.
KBG syndrome (KBGS). Also called: ANKRD11-Related KBG Syndrome. Identifiers: Orphanet 2332, MedGen C0220687, MONDO:0007846, OMIM 148050.

gnomAD v4.1: 13 of 1,612,902 alleles (0.00081%); highest among the groups gnomAD compares: Admixed American, 0.0017%; no homozygotes.

Submissions (2):

Labcorp Genetics (formerly Invitae), Labcorp
Classification: Uncertain significance for KBG syndrome. Last evaluated: 2025-12-05. Review status: criteria provided, single submitter. Criteria: Invitae Variant Classification Sherloc (09022015). Collection method: clinical testing. Allele origin: germline.
Comment: This sequence change replaces proline, which is neutral and non-polar, with leucine, which is neutral and non-polar, at codon 2167 of the ANKRD11 protein (p.Pro2167Leu). This variant is present in population databases (rs777253893, gnomAD 0.003%). This variant has not been reported in the literature in individuals affected with ANKRD11-related conditions. ClinVar contains an entry for this variant (Variation ID: 4053965). Invitae Evidence Modeling of protein sequence and biophysical properties (such as structural, functional, and spatial information, amino acid conservation, physicochemical variation, residue mobility, and thermodynamic stability) indicates that this missense variant is not expected to disrupt ANKRD11 protein function with a negative predictive value of 95%. In summary, the available evidence is currently insufficient to determine the role of this variant in disease. Therefore, it has been classified as a Variant of Uncertain Significance.

Ambry Genetics
Classification: Likely benign for Inborn genetic diseases. Last evaluated: 2025-04-07. Review status: criteria provided, single submitter. Criteria: Ambry Variant Classification Scheme 2023. Collection method: clinical testing. Allele origin: germline.

NM_013275.6(ANKRD11):c.6500C>T (p.Pro2167Leu)

Gene: ANKRD11 (ankyrin repeat domain 11; minus strand). Cytogenetic location: 16q24.3.
Variant type: single nucleotide variant.
Coding change: c.6500C>T on transcript NM_013275.6 (MANE Select); coding-DNA position 6500, C replaced by T.
Protein change: p.Pro2167Leu; replaces proline 2167 with leucine.
Molecular consequence: missense variant.
Genome position (GRCh38, 1-based): chr16:89,280,042, G>A on the plus strand (C>T on the coding strand, the complement: ANKRD11 is on the minus strand). VCF-style: chr16-89280042-G-A. GRCh37 (hg19) VCF-style: chr16-89346450-G-A.
Other names: c.6500C>T, p.Pro2167Leu (NM_001256182.2, NM_001256183.2); short protein forms P2167L.
Identifiers: ClinVar variation 4053965 (VCV004053965.2).